The following is an entry in ClinVar:

NM_006231.4(POLE):c.1106+2T>A

Gene: POLE (DNA polymerase epsilon, catalytic subunit; minus strand). Cytogenetic location: 12q24.33.
Variant type: single nucleotide variant.
Coding change: c.1106+2T>A on transcript NM_006231.4 (MANE Select); the canonical splice donor site of the intron after coding-DNA position 1106, T replaced by A.
Molecular consequence: splice donor variant.
Genome position (GRCh38, 1-based): chr12:132,675,733, A>T on the plus strand (T>A on the coding strand, the complement: POLE is on the minus strand). VCF-style: chr12-132675733-A-T. GRCh37 (hg19) VCF-style: chr12-133252319-A-T.
Identifiers: ClinVar variation 1039561 (VCV001039561.11), dbSNP rs1593077420, ClinGen allele CA387361304.

ClinVar aggregate classification (germline): Likely pathogenic (1 of 4 stars; one submission).

Submission:

Labcorp Genetics (formerly Invitae), Labcorp
Classification: Likely pathogenic. Last evaluated: 2022-05-12. Review status: criteria provided, single submitter. Criteria: Invitae Variant Classification Sherloc (09022015). Collection method: clinical testing. Allele origin: germline.
Comment: In summary, the currently available evidence indicates that the variant is pathogenic, but additional data are needed to prove that conclusively. Therefore, this variant has been classified as Likely Pathogenic. Algorithms developed to predict the effect of sequence changes on RNA splicing suggest that this variant may disrupt the consensus splice site. ClinVar contains an entry for this variant (Variation ID: 1039561). This variant has not been reported in the literature in individuals affected with POLE-related conditions. This variant is not present in population databases (gnomAD no frequency). This sequence change affects a donor splice site in intron 11 of the POLE gene. It is expected to disrupt RNA splicing. Variants that disrupt the donor or acceptor splice site typically lead to a loss of protein function (PMID: 16199547), and loss-of-function variants in POLE are known to be pathogenic (PMID: 23230001, 25948378, 30503519).

Literature cited by the submitters: PubMed 16199547; PubMed 23230001; PubMed 25948378; PubMed 30503519.